The following is an entry in ClinVar:

NM_004380.3(CREBBP):c.1666G>A (p.Gly556Arg)

Gene: CREBBP (CREB binding lysine acetyltransferase; minus strand). Cytogenetic location: 16p13.3.
Variant type: single nucleotide variant.
Coding change: c.1666G>A on transcript NM_004380.3 (MANE Select); coding-DNA position 1666, G replaced by A.
Protein change: p.Gly556Arg; replaces glycine 556 with arginine.
Molecular consequence: missense variant.
Genome position (GRCh38, 1-based): chr16:3,781,214, C>T on the plus strand (G>A on the coding strand, the complement: CREBBP is on the minus strand). VCF-style: chr16-3781214-C-T. GRCh37 (hg19) VCF-style: chr16-3831215-C-T.
Other names: c.1552G>A, p.Gly518Arg (NM_001079846.1); short protein forms G556R, G518R.
Identifiers: ClinVar variation 3670561 (VCV003670561.2).

ClinVar aggregate classification (germline): Uncertain significance (1 of 4 stars; one submission).

Conditions:
Rubinstein-Taybi syndrome (RSTS). Identifiers: Orphanet 783, MedGen C0035934, MONDO:0019188.

Submission:

Labcorp Genetics (formerly Invitae), Labcorp
Classification: Uncertain significance for Rubinstein-Taybi syndrome. Last evaluated: 2024-06-20. Review status: criteria provided, single submitter. Criteria: Invitae Variant Classification Sherloc (09022015). Collection method: clinical testing. Allele origin: germline.
Comment: This sequence change replaces glycine, which is neutral and non-polar, with arginine, which is basic and polar, at codon 556 of the CREBBP protein (p.Gly556Arg). This variant is not present in population databases (gnomAD no frequency). This variant has not been reported in the literature in individuals affected with CREBBP-related conditions. Advanced modeling of protein sequence and biophysical properties (such as structural, functional, and spatial information, amino acid conservation, physicochemical variation, residue mobility, and thermodynamic stability) has been performed at Invitae for this missense variant, however the output from this modeling did not meet the statistical confidence thresholds required to predict the impact of this variant on CREBBP protein function. In summary, the available evidence is currently insufficient to determine the role of this variant in disease. Therefore, it has been classified as a Variant of Uncertain Significance.